The following is an entry in ClinVar:

ClinVar aggregate classification (germline): Pathogenic (1 of 4 stars; one submission).

Submission:

Labcorp Genetics (formerly Invitae), Labcorp
Classification: Pathogenic. Last evaluated: 2022-10-05. Review status: criteria provided, single submitter. Criteria: Invitae Variant Classification Sherloc (09022015). Collection method: clinical testing. Allele origin: germline.
Comment: For these reasons, this variant has been classified as Pathogenic. This sequence change creates a premature translational stop signal (p.Tyr191*) in the LRP6 gene. It is expected to result in an absent or disrupted protein product. Loss-of-function variants in LRP6 are known to be pathogenic (PMID: 26387593). This variant is not present in population databases (gnomAD no frequency). This variant has not been reported in the literature in individuals affected with LRP6-related conditions.

Literature cited by the submitters: PubMed 26387593.

NM_002336.3(LRP6):c.573T>G (p.Tyr191Ter)

Gene: LRP6 (LDL receptor related protein 6; minus strand). Cytogenetic location: 12p13.2.
Variant type: single nucleotide variant.
Coding change: c.573T>G on transcript NM_002336.3 (MANE Select); coding-DNA position 573, T replaced by G.
Protein change: p.Tyr191Ter; replaces tyrosine 191 with a stop codon.
Molecular consequence: nonsense.
Genome position (GRCh38, 1-based): chr12:12,203,277, A>C on the plus strand (T>G on the coding strand, the complement: LRP6 is on the minus strand). VCF-style: chr12-12203277-A-C. GRCh37 (hg19) VCF-style: chr12-12356211-A-C.
Other names: c.573T>G, p.Tyr191Ter (NM_001414244.1, NM_001414245.1, NM_001414246.1 and 5 more transcripts); c.120T>G, p.Tyr40Ter (NM_001414252.1, NM_001414253.1, NM_001414254.1); short protein forms Y40*, Y191*.
Identifiers: ClinVar variation 2034280 (VCV002034280.4), dbSNP rs750594279, ClinGen allele CA383956298.